The following is an entry in ClinVar:

ClinVar aggregate classification (germline): Uncertain significance (1 of 4 stars; one submission).

Conditions:
Hypertrophic cardiomyopathy 26. Also called: Cardiomyopathy, familial hypertrophic, 26. Identifiers: Orphanet 75249, MedGen C4310749, MONDO:0014883, OMIM 617047.
Myofibrillar myopathy 5. Also called: Filaminopathy (type); FILAMINOPATHY, AUTOSOMAL DOMINANT. Identifiers: Orphanet 171445, MedGen C1836050, MONDO:0012289, OMIM 609524.
Distal myopathy with posterior leg and anterior hand involvement. Also called: WILLIAMS DISTAL MYOPATHY. Identifiers: Orphanet 63273, MedGen C3279722, MONDO:0013550, OMIM 614065.

Submission:

Labcorp Genetics (formerly Invitae), Labcorp
Classification: Uncertain significance for Distal myopathy with posterior leg and anterior hand involvement; Myofibrillar myopathy 5; Hypertrophic cardiomyopathy 26. Last evaluated: 2022-12-16. Review status: criteria provided, single submitter. Criteria: Invitae Variant Classification Sherloc (09022015). Collection method: clinical testing. Allele origin: germline.
Comment: This sequence change replaces lysine, which is basic and polar, with glutamic acid, which is acidic and polar, at codon 2316 of the FLNC protein (p.Lys2316Glu). This variant is not present in population databases (gnomAD no frequency). This variant has not been reported in the literature in individuals affected with FLNC-related conditions. Advanced modeling of protein sequence and biophysical properties (such as structural, functional, and spatial information, amino acid conservation, physicochemical variation, residue mobility, and thermodynamic stability) performed at Invitae indicates that this missense variant is not expected to disrupt FLNC protein function. In summary, the available evidence is currently insufficient to determine the role of this variant in disease. Therefore, it has been classified as a Variant of Uncertain Significance.

NM_001458.5(FLNC):c.6946A>G (p.Lys2316Glu)

Genes: FLNC (filamin C; plus strand), FLNC-AS1 (FLNC antisense RNA 1; minus strand). Cytogenetic location: 7q32.1.
Variant type: single nucleotide variant.
Coding change: c.6946A>G on transcript NM_001458.5 (MANE Select); coding-DNA position 6946, A replaced by G.
Protein change: p.Lys2316Glu; replaces lysine 2316 with glutamic acid.
Molecular consequence: missense variant.
Genome position (GRCh38, 1-based): chr7:128,854,631, A>G. VCF-style: chr7-128854631-A-G. GRCh37 (hg19) VCF-style: chr7-128494685-A-G.
Other names: c.6847A>G, p.Lys2283Glu (NM_001127487.2); short protein forms K2316E, K2283E.
Identifiers: ClinVar variation 2942408 (VCV002942408.3), dbSNP rs2536665386, ClinGen allele CA369214282.